The following is an entry in ClinVar:

NM_152564.5(VPS13B):c.1712A>G (p.Glu571Gly)

Gene: VPS13B (vacuolar protein sorting 13 homolog B; plus strand). Cytogenetic location: 8q22.2.
Variant type: single nucleotide variant.
Coding change: c.1712A>G on transcript NM_152564.5 (MANE Select); coding-DNA position 1712, A replaced by G.
Protein change: p.Glu571Gly; replaces glutamic acid 571 with glycine.
Molecular consequence: missense variant.
Genome position (GRCh38, 1-based): chr8:99,143,034, A>G. VCF-style: chr8-99143034-A-G. GRCh37 (hg19) VCF-style: chr8-100155262-A-G.
Other names: c.1712A>G, p.Glu571Gly (NM_015243.3, NM_017890.5); short protein forms E571G.
Identifiers: ClinVar variation 2903413 (VCV002903413.1), dbSNP rs944921965, ClinGen allele CA182901090.

ClinVar aggregate classification (germline): Uncertain significance (1 of 4 stars; one submission).

Conditions:
Cohen syndrome (COH1). Also called: Cutis verticis gyrata, retinitis pigmentosa, and sensorineural deafness; PEPPER SYNDROME. Identifiers: Orphanet 193, MedGen C0265223, MONDO:0008999, OMIM 216550.

Allele frequency attached by ClinVar (database versions not stated): TOPMed below 0.00001; gnomAD 0.00001.
gnomAD v4.1: 1 of 1,613,944 alleles (0.000062%); highest among the groups gnomAD compares: African/African-American, 0.0013%; no homozygotes.

Submission:

Labcorp Genetics (formerly Invitae), Labcorp
Classification: Uncertain significance for Cohen syndrome. Last evaluated: 2023-10-05. Review status: criteria provided, single submitter. Criteria: Invitae Variant Classification Sherloc (09022015). Collection method: clinical testing. Allele origin: germline.
Comment: This sequence change replaces glutamic acid, which is acidic and polar, with glycine, which is neutral and non-polar, at codon 571 of the VPS13B protein (p.Glu571Gly). This variant is present in population databases (no rsID available, gnomAD 0.01%). This variant has not been reported in the literature in individuals affected with VPS13B-related conditions. Advanced modeling of protein sequence and biophysical properties (such as structural, functional, and spatial information, amino acid conservation, physicochemical variation, residue mobility, and thermodynamic stability) performed at Invitae indicates that this missense variant is expected to disrupt VPS13B protein function. In summary, the available evidence is currently insufficient to determine the role of this variant in disease. Therefore, it has been classified as a Variant of Uncertain Significance.